The following is an entry in ClinVar:

NM_004187.5(KDM5C):c.2482C>T (p.Arg828Ter)

Gene: KDM5C (lysine demethylase 5C; minus strand). Cytogenetic location: Xp11.22.
Variant type: single nucleotide variant.
Coding change: c.2482C>T on transcript NM_004187.5 (MANE Select); coding-DNA position 2482, C replaced by T.
Protein change: p.Arg828Ter; replaces arginine 828 with a stop codon.
Molecular consequence: nonsense. On other transcripts: non-coding transcript variant (3).
Genome position (GRCh38, 1-based): chrX:53,198,524, G>A on the plus strand (C>T on the coding strand, the complement: KDM5C is on the minus strand). VCF-style: chrX-53198524-G-A. GRCh37 (hg19) VCF-style: chrX-53227706-G-A.
Other names: c.2281C>T, p.Arg761Ter (NM_001146702.2); c.2479C>T, p.Arg827Ter (NM_001282622.3, NM_001353979.2, NM_001353982.2); c.2482C>T, p.Arg828Ter (NM_001353978.3, NM_001353981.2, NM_001353984.2); short protein forms R828*, R761*, R827*.
Identifiers: ClinVar variation 431128 (VCV000431128.12), dbSNP rs1135401800, ClinGen allele CA413117342.

ClinVar aggregate classification (germline): Pathogenic/Likely pathogenic. Review status: criteria provided, multiple submitters, no conflicts (2 of 4 stars). 6 submissions from 6 submitters: Pathogenic (5); Likely pathogenic (1). Last evaluated 2023-06-06.

Conditions:
Inborn genetic diseases. Identifiers: MedGen C0950123, MeSH D030342.
Intellectual developmental disorder, X-linked, syndromic, Claes-Jensen type. Also called: INTELLECTUAL DEVELOPMENTAL DISORDER, X-LINKED, SYNDROMIC 16; MENTAL RETARDATION, X-LINKED, SYNDROMIC 16; Syndromic X-linked intellectual disability Claes-Jensen type. Identifiers: Orphanet 85279, MedGen C1845243, MONDO:0010355, OMIM 300534.
Developmental disorder. Identifiers: MedGen C0008073.

Submissions (6):

GeneDx
Classification: Pathogenic. Last evaluated: 2023-06-06. Review status: criteria provided, single submitter. Criteria: GeneDx Variant Classification Process June 2021. Collection method: clinical testing. Allele origin: germline. Affected: yes.
Comment: Nonsense variant predicted to result in protein truncation or nonsense mediated decay in a gene for which loss-of-function is a known mechanism of disease; Not observed at significant frequency in large population cohorts (gnomAD); This variant is associated with the following publications: (PMID: 34536985, 28708303)

Department of Genetics, Rouen University Hospital, Normandy Center for Genomic and Personalized Medicine
Classification: Pathogenic for Developmental disorder. Last evaluated: 2022-10-31. Review status: criteria provided, single submitter. Criteria: ACMG Guidelines, 2015. Collection method: clinical testing. Allele origin: de novo. Affected: yes.

Fulgent Genetics
Classification: Pathogenic for Intellectual developmental disorder, X-linked, syndromic, Claes-Jensen type. Last evaluated: 2018-10-31. Review status: criteria provided, single submitter. Criteria: ACMG Guidelines, 2015. Collection method: clinical testing. Allele origin: unknown.

Groupe Hospitalier Pitie Salpetriere, Uf Genomique Du Developpement, Assistance Publique Hopitaux de Paris Sorbonne Université
Classification: Pathogenic for Mental retardation, X-linked, syndromic, Claes-Jensen type. Last evaluated: 2017-01-06. Review status: criteria provided, single submitter. Criteria: ACMG Guidelines, 2015. Collection method: clinical testing. Allele origin: maternal. Affected: yes. Observed: 1 variant allele.
Comment: Intellectual disability,moderate; microcephaly (-2SD); short stature

Ambry Genetics
Classification: Pathogenic for Inborn genetic diseases. Last evaluated: 2016-03-25. Review status: criteria provided, single submitter. Criteria: Ambry exome assertion method (8-5-2015). Collection method: clinical testing. Allele origin: germline. Affected: yes. Observed: 1 variant allele.

Juno Genomics, Hangzhou Juno Genomics, Inc
Classification: Likely pathogenic for Intellectual developmental disorder, X-linked, syndromic, Claes-Jensen type. Review status: criteria provided, single submitter. Criteria: ACMG Guidelines, 2015. Collection method: clinical testing. Allele origin: germline.
Comment: Null variant in a gene where loss of function (LOF) is a known mechanism of disease.;Absent from controls (or at extremely low frequency if recessive) in Genome Aggregation Database.

Literature cited by the submitters: PubMed 28708303 (cited by Groupe Hospitalier Pitie Salpetriere, Uf Genomique Du Developpement, Assistance Publique Hopitaux de Paris Sorbonne Université).